The following is an entry in ClinVar:

NM_014413.4(EIF2AK1):c.1771C>G (p.Leu591Val)

Gene: EIF2AK1 (eukaryotic translation initiation factor 2 alpha kinase 1; minus strand). Cytogenetic location: 7p22.1.
Variant type: single nucleotide variant.
Coding change: c.1771C>G on transcript NM_014413.4 (MANE Select); coding-DNA position 1771, C replaced by G.
Protein change: p.Leu591Val; replaces leucine 591 with valine.
Molecular consequence: missense variant.
Genome position (GRCh38, 1-based): chr7:6,024,795, G>C on the plus strand (C>G on the coding strand, the complement: EIF2AK1 is on the minus strand). VCF-style: chr7-6024795-G-C. GRCh37 (hg19) VCF-style: chr7-6064426-G-C.
Other names: c.1768C>G, p.Leu590Val (NM_001134335.2); short protein forms L590V, L591V.
Identifiers: ClinVar variation 3896470 (VCV003896470.2).

ClinVar aggregate classification (germline): Uncertain significance (1 of 4 stars; one submission).

gnomAD v4.1: 1 of 1,530,458 alleles (0.000065%); highest among the groups gnomAD compares: African/African-American, 0.0014%; no homozygotes.

Submission:

Women's Health and Genetics/Laboratory Corporation of America, LabCorp
Classification: Uncertain significance. Last evaluated: 2025-04-04. Review status: criteria provided, single submitter. Criteria: LabCorp Variant Classification Summary - May 2015. Collection method: clinical testing. Allele origin: germline.
Comment: Variant summary: EIF2AK1 c.1771C>G (p.Leu591Val) results in a conservative amino acid change in the encoded protein sequence. Three of three in-silico tools predict a benign effect of the variant on protein function. The variant allele was found at a frequency of 5.7e-06 in 175316 control chromosomes (gnomAD). The available data on variant occurrences in the general population are insufficient to allow any conclusion about variant significance. To our knowledge, no occurrence of c.1771C>G in individuals affected with Leukoencephalopathy, Motor Delay, Spasticity, And Dysarthria Syndrome and no experimental evidence demonstrating its impact on protein function have been reported. No submitters have cited clinical-significance assessments for this variant to ClinVar. Based on the evidence outlined above, the variant was classified as uncertain significance.